The following is an entry in ClinVar:

NM_003240.5(LEFTY2):c.952G>A (p.Ala318Thr)

Gene: LEFTY2 (left-right determination factor 2; minus strand). Cytogenetic location: 1q42.12.
Variant type: single nucleotide variant.
Coding change: c.952G>A on transcript NM_003240.5 (MANE Select); coding-DNA position 952, G replaced by A.
Protein change: p.Ala318Thr; replaces alanine 318 with threonine.
Molecular consequence: missense variant.
Genome position (GRCh38, 1-based): chr1:225,937,590, C>T on the plus strand (G>A on the coding strand, the complement: LEFTY2 is on the minus strand). VCF-style: chr1-225937590-C-T. GRCh37 (hg19) VCF-style: chr1-226125290-C-T.
Other names: c.850G>A, p.Ala284Thr (NM_001172425.3); short protein forms A284T, A318T.
Identifiers: ClinVar variation 847148 (VCV000847148.6), dbSNP rs373198678, ClinGen allele CA1420439.

ClinVar aggregate classification (germline): Uncertain significance (1 of 4 stars; one submission).

Conditions:
Left-right axis malformations. Identifiers: MedGen C1866091.

Allele frequency attached by ClinVar (database versions not stated): gnomAD 0.00005 and 0.00006; TOPMed 0.00005; ExAC 0.00007; ESP Exome Variant Server 0.00015.
gnomAD v4.1: 70 of 1,613,980 alleles (0.0043%); highest among the groups gnomAD compares: Middle Eastern, 0.017%; no homozygotes.

Submission:

Labcorp Genetics (formerly Invitae), Labcorp
Classification: Uncertain significance for Left-right axis malformations. Last evaluated: 2021-08-24. Review status: criteria provided, single submitter. Criteria: Invitae Variant Classification Sherloc (09022015). Collection method: clinical testing. Allele origin: germline.
Comment: This sequence change replaces alanine with threonine at codon 318 of the LEFTY2 protein (p.Ala318Thr). The alanine residue is moderately conserved and there is a small physicochemical difference between alanine and threonine. This variant is present in population databases (rs373198678, ExAC 0.01%). This variant has not been reported in the literature in individuals affected with LEFTY2-related conditions. Algorithms developed to predict the effect of missense changes on protein structure and function (SIFT, PolyPhen-2, Align-GVGD) all suggest that this variant is likely to be tolerated. In summary, the available evidence is currently insufficient to determine the role of this variant in disease. Therefore, it has been classified as a Variant of Uncertain Significance.